The following is an entry in ClinVar:

NM_001943.5(DSG2):c.2746C>T (p.Gln916Ter)

Genes: DSG2 (desmoglein 2; plus strand), DSG2-AS1 (DSG2 antisense RNA 1; minus strand). Cytogenetic location: 18q12.1.
Variant type: single nucleotide variant.
Coding change: c.2746C>T on transcript NM_001943.5 (MANE Select); coding-DNA position 2746, C replaced by T.
Protein change: p.Gln916Ter; replaces glutamine 916 with a stop codon.
Molecular consequence: nonsense.
Genome position (GRCh38, 1-based): chr18:31,546,132, C>T. VCF-style: chr18-31546132-C-T. GRCh37 (hg19) VCF-style: chr18-29126095-C-T.
Other names: short protein forms Q916*.
Identifiers: ClinVar variation 4850738 (VCV004850738.2).
Genomic context (GRCh38, chr18:31,546,132, plus strand): 5'-GAAGCCAATGCAGAGAAAGTAACTCAGGAAATAGTCACTGAAAGATCTGTGTCTTCTAGG[C>T]AGGCGCAAAAGGTAGCTACACCTCTTCCTGACCCAATGGCTTCTAGAAATGTGATAGCAA-3'

ClinVar aggregate classification (germline): Likely pathogenic. Review status: criteria provided, multiple submitters, no conflicts (2 of 4 stars). 2 submissions from 2 submitters: Likely pathogenic (2). Last evaluated 2026-01-14.

Conditions:
DSG2-related disorders.
Arrhythmogenic right ventricular dysplasia 10. Also called: ARRHYTHMOGENIC RIGHT VENTRICULAR DYSPLASIA, FAMILIAL, 10; Arrhythmogenic Right Ventricular Dysplasia/Cardiomyopathy10; Arrhythmogenic right ventricular dysplasia/cardiomyopathy, type 10. Identifiers: MedGen C1857777, MONDO:0012434, OMIM 610193.

gnomAD v4.1: 5 of 1,614,176 alleles (0.00031%); highest among the groups gnomAD compares: South Asian, 0.0055%; no homozygotes.

Submissions (2):

Variantyx, Inc.
Classification: Likely pathogenic for Arrhythmogenic right ventricular dysplasia 10. Last evaluated: 2026-01-14. Review status: criteria provided, single submitter. Criteria: Variantyx Assertion Criteria 2022. Collection method: clinical testing. Allele origin: germline. Inheritance: Autosomal dominant inheritance. Affected: yes.
Comment: This is a nonsense variant in the DSG2 gene (OMIM: 125671). Pathogenic variants in this gene have been associated with autosomal dominant arrhythmogenic right ventricular dysplasia 10. This variant introduces a premature termination codon in exon 12 out of 12. While it is expected to escape nonsense-mediated decay, due to the presence of downstream pathogenic variants (c.2990del (p.Gly997fs)), this variant is expected to result in loss of function, which is a known disease mechanism for DSG2 in this disorder (PMID: 17105751, 31386562, 25157032) (PVS1). This variant has a 0.0055% maximum allele frequency in non-founder control populations (PM2). Based on the current evidence, this variant is classified as likely pathogenic for autosomal dominant arrhythmogenic right ventricular dysplasia 10.

Blueprint Genetics
Classification: Likely pathogenic for DSG2-related disorders. Last evaluated: 2019-07-18. Review status: criteria provided, single submitter. Criteria: ACMG Guidelines, 2015. Collection method: clinical testing. Allele origin: germline. Affected: yes. Observed: 3 variant alleles.

Literature cited by the submitters: PubMed 17105751 (cited by Variantyx, Inc.); PubMed 31386562 (cited by Variantyx, Inc.); PubMed 25157032 (cited by Variantyx, Inc.).